The following is an entry in ClinVar:

ClinVar aggregate classification (germline): Conflicting classifications of pathogenicity. Review status: criteria provided, conflicting classifications (1 of 4 stars). 4 submissions from 4 submitters: Uncertain significance (1); Likely benign (3). Last evaluated 2026-01-30.

Conditions:
Fucosidosis. Also called: ALPHA-L-FUCOSIDASE DEFICIENCY. Identifiers: Orphanet 349, MedGen C0016788, MONDO:0009254, OMIM 230000.

Allele frequency attached by ClinVar (database versions not stated): ESP Exome Variant Server 0.00008; gnomAD 0.00014 and 0.00019; TOPMed 0.00016; gnomAD exomes 0.00028; ExAC 0.00035; 1000 Genomes Project 0.00040; 1000 Genomes Project 30x 0.00047.
gnomAD v4.1: 482 of 1,614,192 alleles (0.03%); highest among the groups gnomAD compares: South Asian, 0.16%; no homozygotes.

Submissions (4):

Labcorp Genetics (formerly Invitae), Labcorp
Classification: Likely benign for Fucosidosis. Last evaluated: 2026-01-30. Review status: criteria provided, single submitter. Criteria: Invitae Variant Classification Sherloc (09022015). Collection method: clinical testing. Allele origin: germline.

Mayo Clinic Laboratories, Mayo Clinic
Classification: Likely benign. Last evaluated: 2024-12-31. Review status: criteria provided, single submitter. Criteria: ACMG Guidelines, 2015. Collection method: clinical testing. Allele origin: germline. Observed: 2 variant alleles.
Comment: BS1, BP4, BP7

CeGaT Center for Human Genetics Tuebingen
Classification: Likely benign. Last evaluated: 2022-11-01. Review status: criteria provided, single submitter. Criteria: CeGaT Center For Human Genetics Tuebingen Variant Classification Criteria Version 2. Collection method: clinical testing. Allele origin: germline. Affected: yes. Observed: 1 variant allele.
Comment: FUCA1: BP4, BP7

Illumina Laboratory Services, Illumina
Classification: Uncertain significance for Fucosidosis. Last evaluated: 2018-01-13. Review status: criteria provided, single submitter. Criteria: ICSL Variant Classification Criteria 13 December 2019. Collection method: clinical testing. Allele origin: germline.

NM_000147.5(FUCA1):c.405G>A (p.Thr135=)

Genes: FUCA1 (alpha-L-fucosidase 1; minus strand), LOC126805661 (BRD4-independent group 4 enhancer GRCh37_chr1:24191742-24192941; plus strand). Cytogenetic location: 1p36.11.
Variant type: single nucleotide variant.
Coding change: c.405G>A on transcript NM_000147.5 (MANE Select); coding-DNA position 405, G replaced by A.
Protein change: p.Thr135=; no amino-acid change (threonine 135 retained).
Molecular consequence: synonymous variant.
Genome position (GRCh38, 1-based): chr1:23,865,610, C>T on the plus strand (G>A on the coding strand, the complement: FUCA1 is on the minus strand). VCF-style: chr1-23865610-C-T. GRCh37 (hg19) VCF-style: chr1-24192100-C-T.
Other names: p.Thr135=.
Identifiers: ClinVar variation 296891 (VCV000296891.40), dbSNP rs145153173, ClinGen allele CA686551.